The following is an entry in ClinVar:

NM_001365536.1(SCN9A):c.193G>A (p.Asp65Asn)

Gene: SCN9A (sodium voltage-gated channel alpha subunit 9; minus strand). Cytogenetic location: 2q24.3.
Variant type: single nucleotide variant.
Coding change: c.193G>A on transcript NM_001365536.1 (MANE Select); coding-DNA position 193, G replaced by A.
Protein change: p.Asp65Asn; replaces aspartic acid 65 with asparagine.
Molecular consequence: missense variant.
Genome position (GRCh38, 1-based): chr2:166,311,564, C>T on the plus strand (G>A on the coding strand, the complement: SCN9A is on the minus strand). VCF-style: chr2-166311564-C-T. GRCh37 (hg19) VCF-style: chr2-167168074-C-T.
Other names: c.193G>A, p.Asp65Asn (NM_002977.4); short protein forms D65N.
Identifiers: ClinVar variation 1995266 (VCV001995266.5), dbSNP rs1281452286, ClinGen allele CA349095907.

ClinVar aggregate classification (germline): Uncertain significance. Review status: criteria provided, multiple submitters, no conflicts (2 of 4 stars). 2 submissions from 2 submitters: Uncertain significance (2). Last evaluated 2024-01-30.

Conditions:
Neuropathy, hereditary sensory and autonomic, type 2A (HSAN2A). Also called: MORVAN DISEASE; NEUROPATHY, CONGENITAL SENSORY; NEUROPATHY, HEREDITARY SENSORY RADICULAR, AUTOSOMAL RECESSIVE; NEUROPATHY, HEREDITARY SENSORY, TYPE IIA; NEUROPATHY, PROGRESSIVE SENSORY, OF CHILDREN; HSAN IIA. Identifiers: Orphanet 970, MedGen C2752089, MONDO:0024309, OMIM 201300.
Generalized epilepsy with febrile seizures plus, type 7 (GEFSP7). Also called: GEFS+, TYPE 7. Identifiers: Orphanet 36387, MedGen C2751778, MONDO:0013470, OMIM 613863.
Inborn genetic diseases. Identifiers: MedGen C0950123, MeSH D030342.

Allele frequency attached by ClinVar (database versions not stated): gnomAD 0.00001.
gnomAD v4.1: 1 of 1,612,936 alleles (0.000062%); highest among the groups gnomAD compares: African/African-American, 0.0013%; no homozygotes.

Submissions (2):

Ambry Genetics
Classification: Uncertain significance for Inborn genetic diseases. Last evaluated: 2024-01-30. Review status: criteria provided, single submitter. Criteria: Ambry Variant Classification Scheme 2023. Collection method: clinical testing. Allele origin: germline.

Labcorp Genetics (formerly Invitae), Labcorp
Classification: Uncertain significance for Neuropathy, hereditary sensory and autonomic, type 2A; Generalized epilepsy with febrile seizures plus, type 7. Last evaluated: 2022-05-17. Review status: criteria provided, single submitter. Criteria: Invitae Variant Classification Sherloc (09022015). Collection method: clinical testing. Allele origin: germline.
Comment: In summary, the available evidence is currently insufficient to determine the role of this variant in disease. Therefore, it has been classified as a Variant of Uncertain Significance. Algorithms developed to predict the effect of missense changes on protein structure and function are either unavailable or do not agree on the potential impact of this missense change (SIFT: "Tolerated"; PolyPhen-2: "Probably Damaging"; Align-GVGD: "Class C0"). This sequence change replaces aspartic acid, which is acidic and polar, with asparagine, which is neutral and polar, at codon 65 of the SCN9A protein (p.Asp65Asn). This variant is present in population databases (no rsID available, gnomAD 0.01%). This variant has not been reported in the literature in individuals affected with SCN9A-related conditions.